The following is an entry in ClinVar:

NM_000059.4(BRCA2):c.673_676del (p.Thr225fs)

Gene: BRCA2 (BRCA2 DNA repair associated; plus strand). Cytogenetic location: 13q13.1.
Variant type: Deletion.
Coding change: c.673_676del on transcript NM_000059.4 (MANE Select); coding-DNA positions 673 to 676, 4 bases deleted (ACTA; older notation c.673_676delACTA).
Protein change: p.Thr225fs; shifts the reading frame from threonine 225.
Molecular consequence: frameshift variant.
Genome position (GRCh38, 1-based): chr13:32,329,484-32,329,487, ACTA deleted. VCF-style (leftmost placement, unchanged base first): chr13-32329483-TACTA-T. GRCh37 (hg19) VCF-style: chr13-32903620-TACTA-T.
Other names: 0901del4-ter228; c.673_676delACTA (NM_000059.3).
Identifiers: ClinVar variation 52173 (VCV000052173.7), dbSNP rs397507880, ClinGen allele CA024352.

ClinVar aggregate classification (germline): Pathogenic. Review status: reviewed by expert panel (3 of 4 stars). 2 submissions from 2 submitters: Pathogenic (1). 1 of the submissions does not count toward it. Last evaluated 2016-10-18.

Conditions:
Breast-ovarian cancer, familial, susceptibility to, 2 (BROVCA2). Also called: BRCA2 Hereditary Breast and Ovarian Cancer. Identifiers: Orphanet 145, MedGen C2675520, MONDO:0012933, OMIM 612555. Disease mechanism: loss of function.

Submissions (2):

Evidence-based Network for the Interpretation of Germline Mutant Alleles (ENIGMA)
Classification: Pathogenic for Breast-ovarian cancer, familial, susceptibility to, 2. Last evaluated: 2016-10-18. Review status: reviewed by expert panel. Criteria: ENIGMA BRCA1/2 Classification Criteria (2015). Collection method: curation. Allele origin: germline.
Comment: Variant allele predicted to encode a truncated non-functional protein.

Consortium of Investigators of Modifiers of BRCA1/2 (CIMBA), c/o University of Cambridge
Classification: Pathogenic for Breast-ovarian cancer, familial, susceptibility to, 2. Last evaluated: 2015-10-02. Review status: criteria provided, single submitter. Criteria: CIMBA Mutation Classification guidelines May 2016. Collection method: clinical testing. Allele origin: germline. Not counted in ClinVar's aggregate classification.